The following is an entry in ClinVar:

NM_001377.3(DYNC2H1):c.8107A>T (p.Ile2703Phe)

Gene: DYNC2H1 (dynein cytoplasmic 2 heavy chain 1; plus strand). Cytogenetic location: 11q22.3.
Variant type: single nucleotide variant.
Coding change: c.8107A>T on transcript NM_001377.3 (MANE Select); coding-DNA position 8107, A replaced by T.
Protein change: p.Ile2703Phe; replaces isoleucine 2703 with phenylalanine.
Molecular consequence: missense variant.
Genome position (GRCh38, 1-based): chr11:103,200,064, A>T. VCF-style: chr11-103200064-A-T. GRCh37 (hg19) VCF-style: chr11-103070793-A-T.
Other names: c.8107A>T, p.Ile2703Phe (NM_001080463.2); short protein forms I2703F.
Identifiers: ClinVar variation 852205 (VCV000852205.9), dbSNP rs751064079, ClinGen allele CA382257092.

ClinVar aggregate classification (germline): Uncertain significance (1 of 4 stars; one submission).

Conditions:
Jeune thoracic dystrophy. Also called: Jeune syndrome; Infantile thoracic dystrophy; Thoracic pelvic phalangeal dystrophy; Jeune's syndrome; Chondroectodermal dysplasia-like syndrome; Short-rib thoracic dysplasia. Identifiers: Orphanet 474, MedGen C0265275, MONDO:0018770.

Submission:

Labcorp Genetics (formerly Invitae), Labcorp
Classification: Uncertain significance for Jeune thoracic dystrophy. Last evaluated: 2019-12-14. Review status: criteria provided, single submitter. Criteria: Invitae Variant Classification Sherloc (09022015). Collection method: clinical testing. Allele origin: germline.
Comment: This sequence change replaces isoleucine with phenylalanine at codon 2703 of the DYNC2H1 protein (p.Ile2703Phe). The isoleucine residue is highly conserved and there is a small physicochemical difference between isoleucine and phenylalanine. This variant is not present in population databases (ExAC no frequency). This variant has not been reported in the literature in individuals with DYNC2H1-related conditions. Algorithms developed to predict the effect of missense changes on protein structure and function are either unavailable or do not agree on the potential impact of this missense change (SIFT: "Deleterious"; PolyPhen-2: "Benign"; Align-GVGD: "Class C0"). In summary, the available evidence is currently insufficient to determine the role of this variant in disease. Therefore, it has been classified as a Variant of Uncertain Significance.